The following is an entry in ClinVar:

ClinVar aggregate classification (germline): Uncertain significance. Review status: criteria provided, multiple submitters, no conflicts (2 of 4 stars). 3 submissions from 3 submitters: Uncertain significance (3). Last evaluated 2024-10-24.

Conditions:
Inborn genetic diseases. Identifiers: MedGen C0950123, MeSH D030342.

Allele frequency attached by ClinVar (database versions not stated): ExAC 0.00001; gnomAD exomes 0.00001; TOPMed 0.00002; gnomAD 0.00005 and 0.00006.
gnomAD v4.1: 23 of 1,614,010 alleles (0.0014%); highest among the groups gnomAD compares: African/African-American, 0.0027%; no homozygotes.

Submissions (3):

Labcorp Genetics (formerly Invitae), Labcorp
Classification: Uncertain significance. Last evaluated: 2024-10-24. Review status: criteria provided, single submitter. Criteria: Invitae Variant Classification Sherloc (09022015). Collection method: clinical testing. Allele origin: germline.
Comment: This sequence change replaces aspartic acid, which is acidic and polar, with asparagine, which is neutral and polar, at codon 1247 of the SPTBN2 protein (p.Asp1247Asn). This variant is present in population databases (rs755140928, gnomAD 0.008%). This variant has not been reported in the literature in individuals affected with SPTBN2-related conditions. ClinVar contains an entry for this variant (Variation ID: 1303320). Invitae Evidence Modeling of protein sequence and biophysical properties (such as structural, functional, and spatial information, amino acid conservation, physicochemical variation, residue mobility, and thermodynamic stability) indicates that this missense variant is not expected to disrupt SPTBN2 protein function with a negative predictive value of 80%. In summary, the available evidence is currently insufficient to determine the role of this variant in disease. Therefore, it has been classified as a Variant of Uncertain Significance.

Ambry Genetics
Classification: Uncertain significance for Inborn genetic diseases. Last evaluated: 2024-08-10. Review status: criteria provided, single submitter. Criteria: Ambry Variant Classification Scheme 2023. Collection method: clinical testing. Allele origin: germline.

GeneDx
Classification: Uncertain significance. Last evaluated: 2019-05-01. Review status: criteria provided, single submitter. Criteria: GeneDx Variant Classification Process June 2021. Collection method: clinical testing. Allele origin: germline. Affected: yes.
Comment: Has not been previously published as pathogenic or benign to our knowledge

NM_006946.4(SPTBN2):c.3739G>A (p.Asp1247Asn)

Gene: SPTBN2 (spectrin beta, non-erythrocytic 2; minus strand). Cytogenetic location: 11q13.2.
Variant type: single nucleotide variant.
Coding change: c.3739G>A on transcript NM_006946.4 (MANE Select); coding-DNA position 3739, G replaced by A.
Protein change: p.Asp1247Asn; replaces aspartic acid 1247 with asparagine.
Molecular consequence: missense variant.
Genome position (GRCh38, 1-based): chr11:66,699,443, C>T on the plus strand (G>A on the coding strand, the complement: SPTBN2 is on the minus strand). VCF-style: chr11-66699443-C-T. GRCh37 (hg19) VCF-style: chr11-66466914-C-T.
Other names: short protein forms D1247N.
Identifiers: ClinVar variation 1303320 (VCV001303320.8), dbSNP rs755140928, ClinGen allele CA6128786.